The following is an entry in ClinVar:

ClinVar aggregate classification (germline): Uncertain significance (1 of 4 stars; one submission).

Submission:

GeneDx
Classification: Uncertain significance. Last evaluated: 2023-11-02. Review status: criteria provided, single submitter. Criteria: GeneDx Variant Classification Process June 2021. Collection method: clinical testing. Allele origin: germline. Affected: yes.
Comment: Not observed at significant frequency in large population cohorts (gnomAD); In silico analysis supports that this missense variant has a deleterious effect on protein structure/function; Has not been previously published as pathogenic or benign to our knowledge

NM_000052.7(ATP7A):c.1852A>T (p.Ile618Phe)

Gene: ATP7A (ATPase copper transporting alpha; plus strand). Cytogenetic location: Xq21.1.
Variant type: single nucleotide variant.
Coding change: c.1852A>T on transcript NM_000052.7 (MANE Select); coding-DNA position 1852, A replaced by T.
Protein change: p.Ile618Phe; replaces isoleucine 618 with phenylalanine.
Molecular consequence: missense variant.
Genome position (GRCh38, 1-based): chrX:78,009,246, A>T. VCF-style: chrX-78009246-A-T. GRCh37 (hg19) VCF-style: chrX-77264743-A-T.
Other names: c.1852A>T, p.Ile618Phe (NM_001282224.2); short protein forms I618F.
Identifiers: ClinVar variation 3366112 (VCV003366112.1).